The following is an entry in ClinVar:

ClinVar aggregate classification (germline): Pathogenic (1 of 4 stars; one submission).

Conditions:
Pontocerebellar hypoplasia type 2D (PCH2D). Also called: Progressive cerebello-cerebral atrophy. Identifiers: Orphanet 247198, Orphanet 2524, MedGen C3151140, MONDO:0013438, OMIM 613811.

Submission:

Myriad Genetics, Inc.
Classification: Pathogenic for Pontocerebellar hypoplasia type 2D. Last evaluated: 2025-08-21. Review status: criteria provided, single submitter. Criteria: Myriad Autosomal Dominant, Autosomal Recessive and X-Linked Classification Criteria (2023). Collection method: clinical testing. Allele origin: unknown.
Comment: NM_016955.3(SEPSECS):c.955delT(S319Lfs*2) is a frameshift variant classified as pathogenic in the context of pontocerebellar hypoplasia, SEPSECS-related. S319Lfs*2 has not been observed in cases with relevant disease. Relevant functional assessments of this variant are not available in the literature. S319Lfs*2 has not been observed in referenced population frequency databases. In summary, NM_016955.3(SEPSECS):c.955delT(S319Lfs*2) is a frameshift variant in a gene where loss of function is a known mechanism of disease and is predicted to disrupt protein function. Please note: this variant was assessed in the context of healthy population screening.

NM_016955.4(SEPSECS):c.955del (p.Ser319fs)

Gene: SEPSECS (Sep (O-phosphoserine) tRNA:Sec (selenocysteine) tRNA synthase; minus strand). Cytogenetic location: 4p15.2.
Variant type: Deletion.
Coding change: c.955del on transcript NM_016955.4 (MANE Select); coding-DNA position 955, one base deleted (T; older notation c.955delT).
Protein change: p.Ser319fs; shifts the reading frame from serine 319.
Molecular consequence: frameshift variant.
Genome position (GRCh38, 1-based): chr4:25,144,845, A deleted on the plus strand (T on the coding strand, the reverse complement: SEPSECS is on the minus strand); the first of 2 consecutive A bases (chr4:25,144,845-25,144,846); deleting either gives the same sequence. VCF-style (leftmost placement, unchanged base first): chr4-25144844-GA-G. GRCh37 (hg19) VCF-style: chr4-25146466-GA-G.
Other names: c.1210del, p.Ser404fs (NM_001410714.1); short protein forms S319fs, S404fs.
Identifiers: ClinVar variation 5004130 (VCV005004130.1).